The following is an entry in ClinVar:

NM_014989.7(RIMS1):c.1274C>T (p.Pro425Leu)

Gene: RIMS1 (regulating synaptic membrane exocytosis 1; plus strand). Cytogenetic location: 6q13.
Variant type: single nucleotide variant.
Coding change: c.1274C>T on transcript NM_014989.7 (MANE Select); coding-DNA position 1274, C replaced by T.
Protein change: p.Pro425Leu; replaces proline 425 with leucine.
Molecular consequence: missense variant.
Genome position (GRCh38, 1-based): chr6:72,182,745, C>T. VCF-style: chr6-72182745-C-T. GRCh37 (hg19) VCF-style: chr6-72892448-C-T.
Other names: short protein forms P425L.
Identifiers: ClinVar variation 1919965 (VCV001919965.5), dbSNP rs1156748884, ClinGen allele CA364820693.

ClinVar aggregate classification (germline): Uncertain significance (1 of 4 stars; one submission).

Allele frequency attached by ClinVar (database versions not stated): gnomAD exomes below 0.00001; TOPMed below 0.00001; gnomAD 0.00001.
gnomAD v4.1: 2 of 1,541,530 alleles (0.00013%); highest among the groups gnomAD compares: African/African-American, 0.0014%; no homozygotes.

Submission:

Labcorp Genetics (formerly Invitae), Labcorp
Classification: Uncertain significance. Last evaluated: 2025-11-05. Review status: criteria provided, single submitter. Criteria: Invitae Variant Classification Sherloc (09022015). Collection method: clinical testing. Allele origin: germline.
Comment: This sequence change replaces proline, which is neutral and non-polar, with leucine, which is neutral and non-polar, at codon 425 of the RIMS1 protein (p.Pro425Leu). This variant is not present in population databases (gnomAD no frequency). This variant has not been reported in the literature in individuals affected with RIMS1-related conditions. ClinVar contains an entry for this variant (Variation ID: 1919965). An algorithm developed to predict the effect of missense changes on protein structure and function (PolyPhen-2) suggests that this variant is likely to be tolerated. In summary, the available evidence is currently insufficient to determine the role of this variant in disease. Therefore, it has been classified as a Variant of Uncertain Significance.